The following is an entry in ClinVar:

NM_001085458.2(CTNND1):c.2318A>G (p.Asp773Gly)

Genes: CTNND1 (catenin delta 1; plus strand), TMX2-CTNND1 (TMX2-CTNND1 readthrough (NMD candidate); plus strand). Cytogenetic location: 11q12.1.
Variant type: single nucleotide variant.
Coding change: c.2318A>G on transcript NM_001085458.2 (MANE Select); coding-DNA position 2318, A replaced by G.
Protein change: p.Asp773Gly; replaces aspartic acid 773 with glycine.
Molecular consequence: missense variant. On other transcripts: non-coding transcript variant (1).
Genome position (GRCh38, 1-based): chr11:57,809,349, A>G. VCF-style: chr11-57809349-A-G. GRCh37 (hg19) VCF-style: chr11-57576821-A-G.
Other names: c.2300A>G, p.Asp767Gly (NM_001085459.2, NM_001085460.2, NM_001085461.2 and 2 more transcripts); c.2015A>G, p.Asp672Gly (NM_001085463.2, NM_001085466.2); c.1997A>G, p.Asp666Gly (NM_001085464.2, NM_001085465.2, NM_001085467.2 and 3 more transcripts); c.2156A>G, p.Asp719Gly (NM_001206883.2, NM_001206884.2); c.2318A>G, p.Asp773Gly (NM_001206885.2); c.2138A>G, p.Asp713Gly (NM_001206886.2, NM_001206887.2, NM_001206888.2 and 2 more transcripts); short protein forms D666G, D672G, D713G, D719G, D767G, D773G.
Identifiers: ClinVar variation 1049134 (VCV001049134.1), dbSNP rs2137425324, ClinGen allele CA380730056.

ClinVar aggregate classification (germline): Uncertain significance (0 of 4 stars; one submission).

Allele frequency attached by ClinVar (database versions not stated): gnomAD exomes below 0.00001.
gnomAD v4.1: 1 of 1,613,996 alleles (0.000062%); highest among the groups gnomAD compares: African/African-American, 0.0013%; no homozygotes.

Submission:

Department of Pathology and Laboratory Medicine, Sinai Health System
Classification: Uncertain significance. Review status: no assertion criteria provided. Collection method: clinical testing. Allele origin: unknown. Affected: yes. Study: The Canadian Open Genetics Repository (COGR).
Comment: The CTNND1 p.Asp713Gly variant was not identified in the literature nor was it identified in dbSNP, ClinVar, Cosmic or LOVD 3.0. The variant was also not identified in the following control databases: the 1000 Genomes Project, the NHLBI GO Exome Sequencing Project, the Exome Aggregation Consortium (August 8th 2016), or the Genome Aggregation Database (Feb 27, 2017). The variant occurs outside of the splicing consensus sequence and in silico or computational prediction software programs (SpliceSiteFinder, MaxEntScan, NNSPLICE, GeneSplicer) do not predict a difference in splicing. The p.Asp713 residue is conserved in mammals and computational analyses (PolyPhen-2, SIFT, AlignGVGD, BLOSUM, MutationTaster) provide inconsistent predictions regarding the impact to the protein; this information is not very predictive of pathogenicity. In summary, based on the above information the clinical significance of this variant cannot be determined with certainty at this time. This variant is classified as a variant of uncertain significance.